The following is an entry in ClinVar:

ClinVar aggregate classification (germline): Uncertain significance (1 of 4 stars; one submission).

Submission:

Labcorp Genetics (formerly Invitae), Labcorp
Classification: Uncertain significance. Last evaluated: 2021-07-26. Review status: criteria provided, single submitter. Criteria: Invitae Variant Classification Sherloc (09022015). Collection method: clinical testing. Allele origin: germline.
Comment: In summary, the available evidence is currently insufficient to determine the role of this variant in disease. Therefore, it has been classified as a Variant of Uncertain Significance. Algorithms developed to predict the effect of missense changes on protein structure and function (SIFT, PolyPhen-2, Align-GVGD) all suggest that this variant is likely to be tolerated. This variant has not been reported in the literature in individuals affected with PPP3CA-related conditions. This variant is not present in population databases (ExAC no frequency). This sequence change replaces serine with proline at codon 12 of the PPP3CA protein (p.Ser12Pro). The serine residue is weakly conserved and there is a moderate physicochemical difference between serine and proline.

NM_000944.5(PPP3CA):c.34T>C (p.Ser12Pro)

Gene: PPP3CA (protein phosphatase 3 catalytic subunit alpha; minus strand). Cytogenetic location: 4q24.
Variant type: single nucleotide variant.
Coding change: c.34T>C on transcript NM_000944.5 (MANE Select); coding-DNA position 34, T replaced by C.
Protein change: p.Ser12Pro; replaces serine 12 with proline.
Molecular consequence: missense variant.
Genome position (GRCh38, 1-based): chr4:101,346,763, A>G on the plus strand (T>C on the coding strand, the complement: PPP3CA is on the minus strand). VCF-style: chr4-101346763-A-G. GRCh37 (hg19) VCF-style: chr4-102267920-A-G.
Other names: c.34T>C, p.Ser12Pro (NM_001130691.2, NM_001130692.2); short protein forms S12P.
Identifiers: ClinVar variation 1460582 (VCV001460582.8), dbSNP rs2110348576, ClinGen allele CA357949525.